The following is an entry in ClinVar:

ClinVar aggregate classification (germline): Likely pathogenic. Review status: criteria provided, multiple submitters, no conflicts (2 of 4 stars). 2 submissions from 2 submitters: Likely pathogenic (2). Last evaluated 2025-12-15.

Conditions:
Alport syndrome. Also called: Hemorrhagic familial nephritis; Hemorrhagic hereditary nephritis; Congenital hereditary hematuria. Identifiers: Orphanet 63, MedGen C1567741, MONDO:0018965.

Submissions (2):

Natera, Inc.
Classification: Likely pathogenic for Alport syndrome. Last evaluated: 2025-12-15. Review status: criteria provided, single submitter. Criteria: Natera Variant Classification Schema (03/2026). Collection method: clinical testing. Allele origin: germline.
Comment: The c.4090+2T>G variant in COL4A4 is a canonical splice donor site variant predicted to affect pre-mRNA splicing, which may result in an abnormal transcript and altered protein product. This variant is expected to result in nonsense mediated decay, truncation, or a dysfunctional protein product. This variant is rare in the general population with a frequency below the threshold expected for the associated phenotype(s). Given the available evidence, this variant is classified as Likely Pathogenic.

Labcorp Genetics (formerly Invitae), Labcorp
Classification: Likely pathogenic. Last evaluated: 2023-07-11. Review status: criteria provided, single submitter. Criteria: Invitae Variant Classification Sherloc (09022015). Collection method: clinical testing. Allele origin: germline.
Comment: In summary, the currently available evidence indicates that the variant is pathogenic, but additional data are needed to prove that conclusively. Therefore, this variant has been classified as Likely Pathogenic. Algorithms developed to predict the effect of sequence changes on RNA splicing suggest that this variant may disrupt the consensus splice site. This variant has not been reported in the literature in individuals affected with COL4A4-related conditions. This variant is not present in population databases (gnomAD no frequency). This sequence change affects a donor splice site in intron 43 of the COL4A4 gene. It is expected to disrupt RNA splicing. Variants that disrupt the donor or acceptor splice site typically lead to a loss of protein function (PMID: 16199547), and loss-of-function variants in COL4A4 are known to be pathogenic (PMID: 21196518, 24854265, 25307543).

Literature cited by the submitters: PubMed 16199547 (cited by Labcorp Genetics (formerly Invitae), Labcorp); PubMed 21196518 (cited by Labcorp Genetics (formerly Invitae), Labcorp); PubMed 24854265 (cited by Labcorp Genetics (formerly Invitae), Labcorp); PubMed 25307543 (cited by Labcorp Genetics (formerly Invitae), Labcorp).

NM_000092.5(COL4A4):c.4090+2T>G

Gene: COL4A4 (collagen type IV alpha 4 chain; minus strand). Cytogenetic location: 2q36.3.
Variant type: single nucleotide variant.
Coding change: c.4090+2T>G on transcript NM_000092.5 (MANE Select); the canonical splice donor site of the intron after coding-DNA position 4090, T replaced by G.
Molecular consequence: splice donor variant.
Genome position (GRCh38, 1-based): chr2:227,025,800, A>C on the plus strand (T>G on the coding strand, the complement: COL4A4 is on the minus strand). VCF-style: chr2-227025800-A-C. GRCh37 (hg19) VCF-style: chr2-227890516-A-C.
Other names: c.4090+2T>G (NM_000092.4).
Identifiers: ClinVar variation 1988362 (VCV001988362.5), dbSNP rs1966843131, ClinGen allele CA350836891.